The following is an entry in ClinVar:

ClinVar aggregate classification (germline): Uncertain significance (1 of 4 stars; one submission).

Conditions:
Hereditary cancer-predisposing syndrome. Also called: Tumor predisposition; Neoplastic Syndromes, Hereditary; Hereditary neoplastic syndrome; Hereditary Cancer Syndrome. Identifiers: Orphanet 140162, MedGen C0027672, MeSH D009386, MONDO:0015356.

Submission:

Ambry Genetics
Classification: Uncertain significance for Hereditary cancer-predisposing syndrome. Last evaluated: 2024-07-18. Review status: criteria provided, single submitter. Criteria: Ambry Variant Classification Scheme 2023. Collection method: clinical testing. Allele origin: germline.
Comment: The p.I375V variant (also known as c.1123A>G), located in coding exon 4 of the AXIN2 gene, results from an A to G substitution at nucleotide position 1123. The isoleucine at codon 375 is replaced by valine, an amino acid with highly similar properties. This amino acid position is conserved. In addition, the in silico prediction for this alteration is inconclusive. Based on the available evidence, the clinical significance of this variant remains unclear.

NM_004655.4(AXIN2):c.1123A>G (p.Ile375Val)

Gene: AXIN2 (axin 2; minus strand). Cytogenetic location: 17q24.1.
Variant type: single nucleotide variant.
Coding change: c.1123A>G on transcript NM_004655.4 (MANE Select); coding-DNA position 1123, A replaced by G.
Protein change: p.Ile375Val; replaces isoleucine 375 with valine.
Molecular consequence: missense variant.
Genome position (GRCh38, 1-based): chr17:65,538,280, T>C on the plus strand (A>G on the coding strand, the complement: AXIN2 is on the minus strand). VCF-style: chr17-65538280-T-C. GRCh37 (hg19) VCF-style: chr17-63534398-T-C.
Other names: c.1123A>G, p.Ile375Val (NM_001363813.1); short protein forms I375V.
Identifiers: ClinVar variation 3470065 (VCV003470065.1).